The following is an entry in ClinVar:

NM_001931.5(DLAT):c.188C>T (p.Pro63Leu)

Gene: DLAT (dihydrolipoamide S-acetyltransferase; plus strand). Cytogenetic location: 11q23.1.
Variant type: single nucleotide variant.
Coding change: c.188C>T on transcript NM_001931.5 (MANE Select); coding-DNA position 188, C replaced by T.
Protein change: p.Pro63Leu; replaces proline 63 with leucine.
Molecular consequence: missense variant. On other transcripts: synonymous variant (1), 5 prime UTR variant (1), non-coding transcript variant (1), intron variant (1).
Genome position (GRCh38, 1-based): chr11:112,025,660, C>T. VCF-style: chr11-112025660-C-T. GRCh37 (hg19) VCF-style: chr11-111896384-C-T.
Other names: c.188C>T, p.Pro63Leu (NM_001372031.1, NM_001372032.1, NM_001372033.1 and 6 more transcripts); c.147C>T, p.Pro49= (NM_001372036.1); c.-279C>T (NM_001372042.1); c.111+36C>T (NM_001372037.1); short protein forms P63L.
Identifiers: ClinVar variation 2160379 (VCV002160379.2), dbSNP rs1436678935, ClinGen allele CA382595792.

ClinVar aggregate classification (germline): Uncertain significance (1 of 4 stars; one submission).

Conditions:
Pyruvate dehydrogenase E2 deficiency (PDHDD). Also called: Dihydrolipoamide Acetyltransferase (E2) Deficiency; LACTIC ACIDEMIA DUE TO DEFECT OF E2 LIPOYL TRANSACETYLASE OF THE PYRUVATE DEHYDROGENASE COMPLEX. Identifiers: Orphanet 765, Orphanet 79244, MedGen C1855565, MONDO:0009502, OMIM 245348.

Allele frequency attached by ClinVar (database versions not stated): TOPMed below 0.00001; gnomAD 0.00001.
gnomAD v4.1: 34 of 1,613,076 alleles (0.0021%); highest among the groups gnomAD compares: Non-Finnish European, 0.0026%; no homozygotes.

Submission:

Labcorp Genetics (formerly Invitae), Labcorp
Classification: Uncertain significance for Pyruvate dehydrogenase E2 deficiency. Last evaluated: 2022-06-05. Review status: criteria provided, single submitter. Criteria: Invitae Variant Classification Sherloc (09022015). Collection method: clinical testing. Allele origin: germline.
Comment: In summary, the available evidence is currently insufficient to determine the role of this variant in disease. Therefore, it has been classified as a Variant of Uncertain Significance. Advanced modeling of protein sequence and biophysical properties (such as structural, functional, and spatial information, amino acid conservation, physicochemical variation, residue mobility, and thermodynamic stability) performed at Invitae indicates that this missense variant is not expected to disrupt DLAT protein function. This variant has not been reported in the literature in individuals affected with DLAT-related conditions. This variant is present in population databases (no rsID available, gnomAD 0.007%). This sequence change replaces proline, which is neutral and non-polar, with leucine, which is neutral and non-polar, at codon 63 of the DLAT protein (p.Pro63Leu).